The following is an entry in ClinVar:

NM_001127464.1:c.1882C>A

Gene: ZNF469 (zinc finger protein 469; plus strand).
Variant type: single nucleotide variant.
Identifiers: ClinVar variation 4527306 (VCV004527306.1).

ClinVar aggregate classification (germline): Uncertain significance (1 of 4 stars; one submission).

Submission:

GeneDx
Classification: Uncertain significance. Last evaluated: 2025-04-23. Review status: criteria provided, single submitter. Criteria: GeneDx Variant Classification Process June 2021. Collection method: clinical testing. Allele origin: germline. Affected: yes.
Comment: Not observed at significant frequency in large population cohorts (gnomAD); In silico analysis indicates that this missense variant does not alter protein structure/function; Has not been previously published as pathogenic or benign to our knowledge